The following is an entry in ClinVar:

NM_000017.4(ACADS):c.409C>T (p.Gln137Ter)

Gene: ACADS (acyl-CoA dehydrogenase short chain; plus strand). Cytogenetic location: 12q24.31.
Variant type: single nucleotide variant.
Coding change: c.409C>T on transcript NM_000017.4 (MANE Select); coding-DNA position 409, C replaced by T.
Protein change: p.Gln137Ter; replaces glutamine 137 with a stop codon.
Molecular consequence: nonsense.
Genome position (GRCh38, 1-based): chr12:120,737,404, C>T. VCF-style: chr12-120737404-C-T. GRCh37 (hg19) VCF-style: chr12-121175207-C-T.
Other names: c.409C>T, p.Gln137Ter (NM_001302554.2); short protein forms Q137*.
Identifiers: ClinVar variation 189087 (VCV000189087.7), dbSNP rs752677472, ClinGen allele CA274362.
Genomic context (GRCh38, chr12:120,737,404, plus strand): 5'-CTGTCCTCCTAGTCTCTCTACCTGGGGCCCATCTTGAAGTTTGGCTCCAAGGAGCAGAAG[C>T]AGGCGTGGGTCACGCCTTTCACCAGTGGTGACAAAATTGGCTGCTTTGCCCTCAGCGAAC-3'

ClinVar aggregate classification (germline): Pathogenic. Review status: criteria provided, single submitter (1 of 4 stars). 2 submissions from 2 submitters: Pathogenic (1). 1 of the submissions does not count toward it. Last evaluated 2023-12-13.

Conditions:
Deficiency of butyryl-CoA dehydrogenase (ACADSD). Also called: ACADS DEFICIENCY; Short-Chain Acyl-CoA Dehydrogenase Deficiency; SCAD DEFICIENCY, MILD; ACYL-CoA DEHYDROGENASE, SHORT-CHAIN, DEFICIENCY OF; SCAD Deficiency; SCADH DEFICIENCY. Identifiers: Orphanet 26792, MedGen C0342783, MONDO:0008722, OMIM 201470. Disease mechanism: May be benign.

Allele frequency attached by ClinVar (database versions not stated): TOPMed 0.00001.
gnomAD v4.1: 9 of 1,614,078 alleles (0.00056%); highest among the groups gnomAD compares: African/African-American, 0.0013%; no homozygotes.

Submissions (2):

Labcorp Genetics (formerly Invitae), Labcorp
Classification: Pathogenic for Deficiency of butyryl-CoA dehydrogenase. Last evaluated: 2023-12-13. Review status: criteria provided, single submitter. Criteria: Invitae Variant Classification Sherloc (09022015). Collection method: clinical testing. Allele origin: germline.
Comment: This sequence change creates a premature translational stop signal (p.Gln137*) in the ACADS gene. It is expected to result in an absent or disrupted protein product. Loss-of-function variants in ACADS are known to be pathogenic (PMID: 12736383, 18523805). This variant is present in population databases (rs752677472, gnomAD 0.0009%). This premature translational stop signal has been observed in individual(s) with short-chain acyl-coenzyme A dehydrogenase deficiency (PMID: 12736383). ClinVar contains an entry for this variant (Variation ID: 189087). Algorithms developed to predict the effect of sequence changes on RNA splicing suggest that this variant may disrupt the consensus splice site. For these reasons, this variant has been classified as Pathogenic.

Counsyl
Classification: Likely pathogenic for Deficiency of butyryl-CoA dehydrogenase. Last evaluated: 2014-12-11. Review status: no assertion criteria provided. Collection method: literature only. Allele origin: unknown. Inheritance: Autosomal recessive inheritance. Not counted in ClinVar's aggregate classification.

Literature cited by the submitters: PubMed 12736383 (cited by Labcorp Genetics (formerly Invitae), Labcorp and Counsyl); PubMed 18523805 (cited by Labcorp Genetics (formerly Invitae), Labcorp); PubMed 14568186 (cited by Counsyl).